The following is an entry in ClinVar:

ClinVar aggregate classification (germline): Likely benign. Review status: reviewed by expert panel (3 of 4 stars). 12 submissions from 12 submitters: Likely benign (1). 11 of the submissions do not count toward it. Last evaluated 2024-09-11.

Conditions:
Pulmonary arterial hypertension associated with congenital heart disease. Identifiers: Orphanet 275803, MedGen C3697119, MONDO:0017152.
ENG-related disorder. Also called: ENG-related condition; ENG-related disorders.
Hereditary hemorrhagic telangiectasia (HHT). Also called: Osler hemorrhagic telangiectasia syndrome; ORW DISEASE; Osler Weber Rendu syndrome; OSLER-RENDU-WEBER DISEASE. Identifiers: Orphanet 774, MedGen C0039445, MONDO:0019180. Disease mechanism: loss of function.
Cardiovascular phenotype. Identifiers: MedGen CN230736.
Telangiectasia, hereditary hemorrhagic, type 1 (HHT1). Also called: Osler Weber Rendu syndrome type 1; ENG-Related Hereditary Hemorrhagic Telangiectasia. Identifiers: Orphanet 774, MedGen C4551861, MONDO:0008535, OMIM 187300. Disease mechanism: loss of function.
Pulmonary hypertension, primary, 1 (PPH1). Also called: Pulmonary hypertension, familial primary, 1, with or without HHT. Identifiers: Orphanet 422, MedGen C4552070, MONDO:0024533, OMIM 178600.

Allele frequency attached by ClinVar (database versions not stated): gnomAD 0.00036 and 0.00037; 1000 Genomes Project 0.00040; TOPMed 0.00049; ExAC 0.00052; gnomAD exomes 0.00052 and 0.00068; 1000 Genomes Project 30x 0.00062; ESP Exome Variant Server 0.00062.
gnomAD v4.1: 1,028 of 1,614,188 alleles (0.064%); highest among the groups gnomAD compares: Admixed American, 0.13%; 2 homozygotes.

Submissions (12):

ClinGen Hereditary Hemorrhagic Telangiectasia Variant Curation Expert Panel, ClinGen
Classification: Likely benign for Telangiectasia, hereditary hemorrhagic, type 1. Last evaluated: 2024-09-11. Review status: reviewed by expert panel. Criteria: ClinGen HHT ACMG Specifications ENG V1.1.0. Collection method: curation. Allele origin: germline. Inheritance: Autosomal dominant inheritance.
Comment: The NM_001114753.3: c.1633G>A variant in ENG is a missense variant predicted to cause substitution of glycine by serine at amino acid 545 (p.Gly545Ser). The filtering allele frequency (the lower threshold of the 95% CI of 54/35,428 alleles) of the c.1633G>A variant in ENG is 0.1% for Admixed American chromosomes by gnomAD v2.1.1, which is higher than the ClinGen Hereditary Hemorrhagic Telangiectasia Variant Curation Expert Panel threshold (>0.08%) for BS1_Supporting, and therefore meets this criterion (BS1_Supporting). This variant has been observed in trans with the variant c.391_392del, p.(Pro131Glyfs*17) (PMID: 18498373) which is classified as likely pathogenic (PMID: 18498373) in an individual with hereditary hemorrhagic telangiectasia. The phase of the variants was confirmed by family testing (BP2). This variant has been observed in at least two patients with an alternate molecular basis for disease (likely pathogenic/pathogenic variants identified in ACVRL1) (BP5; internal lab contributors). The computational predictor REVEL gives a score of 0.399, which is neither above nor below the thresholds predicting a damaging or benign impact on ENG function. In summary, this variant meets the criteria to be classified as likely benign for autosomal dominant hereditary hemorrhagic telangiectasia based on the ACMG/AMP criteria applied, as specified by the ClinGen Hereditary Hemorrhagic Telangiectasia Variant Curation Expert Panel: BS1_Supporting, BP2, BP5 (specifications version 1.1.0; 09/11/2024).

CeGaT Center for Human Genetics Tuebingen
Classification: Likely benign. Last evaluated: 2026-09-01. Review status: criteria provided, single submitter. Criteria: CeGaT Center For Human Genetics Tuebingen Variant Classification Criteria Version 2. Collection method: clinical testing. Allele origin: germline. Affected: yes. Observed: 2 variant alleles. Not counted in ClinVar's aggregate classification.
Comment: ENG: PM5, BS1

Labcorp Genetics (formerly Invitae), Labcorp
Classification: Likely benign for Hereditary hemorrhagic telangiectasia. Last evaluated: 2026-02-03. Review status: criteria provided, single submitter. Criteria: Invitae Variant Classification Sherloc (09022015). Collection method: clinical testing. Allele origin: germline. Not counted in ClinVar's aggregate classification.

Blueprint Genetics
Classification: Likely benign. Last evaluated: 2024-09-12. Review status: criteria provided, single submitter. Criteria: ACMG Guidelines, 2015. Collection method: clinical testing. Allele origin: germline. Not counted in ClinVar's aggregate classification.

Molecular Genetics, Royal Melbourne Hospital
Classification: Likely benign for Telangiectasia, hereditary hemorrhagic, type 1. Last evaluated: 2023-05-04. Review status: criteria provided, single submitter. Criteria: ACMG Guidelines, 2015. Collection method: clinical testing. Allele origin: germline. Affected: yes. Not counted in ClinVar's aggregate classification.
Comment: European Non-Finnish population allele frequency is 0.12% (rs142896669, 54/35,428 alleles, 0 homozygotes in gnomAD v2.1). Based on the classification scheme RMH Modified ACMG/AMP Guidelines v1.4.1, this variant is classified as LIKELY BENIGN. Following criteria are met: BS1

GeneDx
Classification: Likely benign. Last evaluated: 2020-10-01. Review status: criteria provided, single submitter. Criteria: GeneDx Variant Classification Process June 2021. Collection method: clinical testing. Allele origin: germline. Affected: yes. Not counted in ClinVar's aggregate classification.
Comment: See Variant Classification Assertion Criteria.

Wendy Chung Laboratory, Boston Children's Hospital
Classification: Uncertain significance for Pulmonary arterial hypertension associated with congenital heart disease. Last evaluated: 2018-06-27. Review status: criteria provided, single submitter. Criteria: ACMG Guidelines, 2015. Collection method: case-control. Allele origin: maternal. Affected: yes. Observed: 1 variant allele. Not counted in ClinVar's aggregate classification.

Illumina Laboratory Services, Illumina
Classification: Benign for Telangiectasia, hereditary hemorrhagic, type 1. Last evaluated: 2017-04-28. Review status: criteria provided, single submitter. Criteria: ICSL Variant Classification Criteria 13 December 2019. Collection method: clinical testing. Allele origin: germline. Not counted in ClinVar's aggregate classification.
Comment: This variant was observed as part of a predisposition screen in an ostensibly healthy population. A literature search was performed for the gene, cDNA change, and amino acid change (where applicable). Publications were found based on this search. The evidence from the literature, in combination with allele frequency data from public databases where available, was sufficient to rule this variant out of causing disease. Therefore, this variant is classified as benign.

Ambry Genetics
Classification: Likely benign for Cardiovascular phenotype. Last evaluated: 2017-01-03. Review status: criteria provided, single submitter. Criteria: Ambry Variant Classification Scheme 2023. Collection method: clinical testing. Allele origin: germline. Not counted in ClinVar's aggregate classification.

Laboratory for Molecular Medicine, Mass General Brigham Personalized Medicine
Classification: Uncertain significance. Last evaluated: 2016-04-25. Review status: criteria provided, single submitter. Criteria: LMM Criteria. Collection method: clinical testing. Allele origin: germline. Not counted in ClinVar's aggregate classification.
Comment: Variant identified in a genome or exome case(s) and assessed due to predicted null impact of the variant or pathogenic assertions in the literature or databases. Disclaimer: This variant has not undergone full assessment. The following are preliminary notes: 2 probands, no segs in HGMD; ExAC: 0.2% (25/11560) Latino chromosomes

PreventionGenetics, part of Exact Sciences
Classification: Likely benign for ENG-related condition. Last evaluated: 2024-08-14. Review status: no assertion criteria provided. Collection method: clinical testing. Allele origin: germline. Not counted in ClinVar's aggregate classification.
Comment: This variant is classified as likely benign based on ACMG/AMP sequence variant interpretation guidelines (Richards et al. 2015 PMID: 25741868, with internal and published modifications).

Rare Disease Genomics Group, St George's University of London
Classification: Pathogenic for Primary pulmonary hypertension. Review status: no assertion criteria provided. Collection method: literature only. Allele origin: germline. Affected: yes. Not counted in ClinVar's aggregate classification.

Literature cited by the submitters: PubMed 30029678 (cited by Wendy Chung Laboratory, Boston Children's Hospital); PubMed 26167679 (cited by Illumina Laboratory Services, Illumina); PubMed 23298310 (cited by Illumina Laboratory Services, Illumina and Rare Disease Genomics Group, St George's University of London); PubMed 18498373 (cited by Illumina Laboratory Services, Illumina).

NM_001114753.3(ENG):c.1633G>A (p.Gly545Ser)

Genes: ENG (endoglin; minus strand), LOC102723566 (uncharacterized LOC102723566; plus strand). Cytogenetic location: 9q34.11.
Variant type: single nucleotide variant.
Coding change: c.1633G>A on transcript NM_001114753.3 (MANE Select); coding-DNA position 1633, G replaced by A.
Protein change: p.Gly545Ser; replaces glycine 545 with serine.
Molecular consequence: missense variant.
Genome position (GRCh38, 1-based): chr9:127,818,173, C>T on the plus strand (G>A on the coding strand, the complement: ENG is on the minus strand). VCF-style: chr9-127818173-C-T. GRCh37 (hg19) VCF-style: chr9-130580452-C-T.
Other names: NP_001108225.1:p.G545S; NM_001114753.3(ENG):c.1633G>A; c.1633G>A (NM_000118.2); c.1633G>A, p.Gly545Ser (NM_000118.4); c.1087G>A, p.Gly363Ser (NM_001278138.2); short protein forms G545S, G363S.
Identifiers: ClinVar variation 237022 (VCV000237022.25), dbSNP rs142896669, ClinGen allele CA5252712.